The following is an entry in ClinVar:

ClinVar aggregate classification (germline): Uncertain significance. Review status: criteria provided, multiple submitters, no conflicts (2 of 4 stars). 2 submissions from 2 submitters: Uncertain significance (2). Last evaluated 2026-07-01.

Conditions:
REEP1-related disorder. Also called: REEP1-related condition.

Allele frequency attached by ClinVar (database versions not stated): gnomAD 0.00008; TOPMed 0.00008.

Submissions (2):

CeGaT Center for Human Genetics Tuebingen
Classification: Uncertain significance. Last evaluated: 2026-07-01. Review status: criteria provided, single submitter. Criteria: CeGaT Center For Human Genetics Tuebingen Variant Classification Criteria Version 2. Collection method: clinical testing. Allele origin: germline. Affected: yes. Observed: 3 variant alleles.
Comment: REEP1: PM2, BP4

PreventionGenetics, part of Exact Sciences
Classification: Uncertain significance for REEP1-related condition. Last evaluated: 2026-02-11. Review status: criteria provided, single submitter. Criteria: ACMG Guidelines, 2015. Collection method: clinical testing. Allele origin: germline.
Comment: The REEP1 c.11T>C variant is predicted to result in the amino acid substitution p.Val4Ala. To our knowledge, this variant has not been reported in the literature. This variant is reported in 0.0094% of alleles in individuals of European (non-Finnish) descent in gnomAD. At this time, the clinical significance of this variant is uncertain due to the absence of conclusive functional and genetic evidence.

NM_001164730.2(REEP1):c.11T>C (p.Val4Ala)

Gene: REEP1 (receptor accessory protein 1; minus strand). Cytogenetic location: 2p11.2.
Variant type: single nucleotide variant.
Coding change: c.11T>C on transcript NM_001164730.2; coding-DNA position 11, T replaced by C.
Protein change: p.Val4Ala; replaces valine 4 with alanine.
Molecular consequence: missense variant.
Genome position (GRCh38, 1-based): chr2:86,338,066, A>G on the plus strand (T>C on the coding strand, the complement: REEP1 is on the minus strand). VCF-style: chr2-86338066-A-G. GRCh37 (hg19) VCF-style: chr2-86565189-A-G.
Other names: short protein forms V4A.
Identifiers: ClinVar variation 2578861 (VCV002578861.24), dbSNP rs980959717, ClinGen allele CA51490621.